The following is an entry in ClinVar:

ClinVar aggregate classification (germline): Pathogenic (1 of 4 stars; one submission).

Conditions:
Multiple congenital exostosis (EXT). Also called: Hereditary multiple osteochondromas; Multiple exostoses; MULTIPLE CARTILAGINOUS EXOSTOSES; Multiple osteochondromas; Hereditary multiple exostoses; Hereditary multiple exostosis. Identifiers: Orphanet 321, MedGen C0015306, MONDO:0005508, HP:0002762.

Submission:

Labcorp Genetics (formerly Invitae), Labcorp
Classification: Pathogenic for Multiple congenital exostosis. Last evaluated: 2025-09-29. Review status: criteria provided, single submitter. Criteria: Invitae Variant Classification Sherloc (09022015). Collection method: clinical testing. Allele origin: germline.
Comment: This sequence change creates a premature translational stop signal (p.Gln150*) in the EXT1 gene. It is expected to result in an absent or disrupted protein product. Loss-of-function variants in EXT1 are known to be pathogenic (PMID: 10679937, 11391482, 19810120). This variant is not present in population databases (gnomAD no frequency). This premature translational stop signal has been observed in individual(s) with hereditary multiple exostoses (PMID: 31096510). For these reasons, this variant has been classified as Pathogenic.

Literature cited by the submitters: PubMed 10679937; PubMed 11391482; PubMed 19810120; PubMed 31096510.

NM_000127.3(EXT1):c.448C>T (p.Gln150Ter)

Gene: EXT1 (exostosin glycosyltransferase 1; minus strand). Cytogenetic location: 8q24.11.
Variant type: single nucleotide variant.
Coding change: c.448C>T on transcript NM_000127.3 (MANE Select); coding-DNA position 448, C replaced by T.
Protein change: p.Gln150Ter; replaces glutamine 150 with a stop codon.
Molecular consequence: nonsense.
Genome position (GRCh38, 1-based): chr8:118,110,599, G>A on the plus strand (C>T on the coding strand, the complement: EXT1 is on the minus strand). VCF-style: chr8-118110599-G-A. GRCh37 (hg19) VCF-style: chr8-119122838-G-A.
Other names: short protein forms Q150*.
Identifiers: ClinVar variation 4750127 (VCV004750127.1).